The following is an entry in ClinVar:

ClinVar aggregate classification (germline): Pathogenic (1 of 4 stars; one submission).

Conditions:
Charcot-Marie-Tooth disease type 4. Also called: Charcot-Marie-Tooth, Type 4; Charcot-Marie-Tooth disease, type IV. Identifiers: Orphanet 64749, MedGen C4082197, MONDO:0018995.

Submission:

Labcorp Genetics (formerly Invitae), Labcorp
Classification: Pathogenic for Charcot-Marie-Tooth disease type 4. Last evaluated: 2018-06-06. Review status: criteria provided, single submitter. Criteria: Invitae Variant Classification Sherloc (09022015). Collection method: clinical testing. Allele origin: germline.
Comment: This sequence change creates a premature translational stop signal (p.Thr721Leufs*59) in the FIG4 gene. It is expected to result in an absent or disrupted protein product. This variant is not present in population databases (ExAC no frequency). This variant has not been reported in the literature in individuals with FIG4-related disease. Loss-of-function variants in FIG4 are known to be pathogenic (PMID: 23623387). For these reasons, this variant has been classified as Pathogenic.

Literature cited by the submitters: PubMed 23623387.

NM_014845.6(FIG4):c.2161del (p.Thr721fs)

Gene: FIG4 (FIG4 phosphoinositide 5-phosphatase; plus strand). Cytogenetic location: 6q21.
Variant type: Deletion.
Coding change: c.2161del on transcript NM_014845.6 (MANE Select); coding-DNA position 2161, one base deleted (A; older notation c.2161delA).
Protein change: p.Thr721fs; shifts the reading frame from threonine 721.
Molecular consequence: frameshift variant.
Genome position (GRCh38, 1-based): chr6:109,789,658, A deleted; the last of 3 consecutive A bases (chr6:109,789,656-109,789,658); deleting any one gives the same sequence. VCF-style (leftmost placement, unchanged base first): chr6-109789655-GA-G. GRCh37 (hg19) VCF-style: chr6-110110858-GA-G.
Other names: short protein forms T721fs.
Identifiers: ClinVar variation 1073202 (VCV001073202.7), dbSNP rs2128396856, ClinGen allele CA2499218030.